The following is an entry in ClinVar:

NM_014825.3(URB1):c.5655C>G (p.Thr1885=)

Gene: URB1 (URB1 ribosome biogenesis factor; minus strand). Cytogenetic location: 21q22.11.
Variant type: single nucleotide variant.
Coding change: c.5655C>G on transcript NM_014825.3 (MANE Select); coding-DNA position 5655, C replaced by G.
Protein change: p.Thr1885=; no amino-acid change (threonine 1885 retained).
Molecular consequence: synonymous variant.
Genome position (GRCh38, 1-based): chr21:32,319,354, G>C on the plus strand (C>G on the coding strand, the complement: URB1 is on the minus strand). VCF-style: chr21-32319354-G-C. GRCh37 (hg19) VCF-style: chr21-33691664-G-C.
Identifiers: ClinVar variation 2652596 (VCV002652596.24), dbSNP rs751270181, ClinGen allele CA10001245.

ClinVar aggregate classification (germline): Likely benign (1 of 4 stars; one submission).

Allele frequency attached by ClinVar (database versions not stated): TOPMed 0.00001; gnomAD 0.00005; gnomAD exomes 0.00016; ExAC 0.00132.
gnomAD v4.1: 218 of 1,550,850 alleles (0.014%); highest among the groups gnomAD compares: South Asian, 0.25%; 3 homozygotes.

Submission:

CeGaT Center for Human Genetics Tuebingen
Classification: Likely benign. Last evaluated: 2022-12-01. Review status: criteria provided, single submitter. Criteria: CeGaT Center For Human Genetics Tuebingen Variant Classification Criteria Version 2. Collection method: clinical testing. Allele origin: germline. Affected: yes. Observed: 1 variant allele.
Comment: URB1: BP4, BP7